The following is an entry in ClinVar:

ClinVar aggregate classification (germline): Likely pathogenic (1 of 4 stars; one submission).

Conditions:
Alkaptonuria (AKU). Also called: Alcaptonuria; HOMOGENTISIC ACID OXIDASE DEFICIENCY; Alkaptonuric ochronosis; Homogentisic acidura. Identifiers: Orphanet 56, MedGen C0002066, MONDO:0008753, OMIM 203500.

Submission:

Myriad Genetics, Inc.
Classification: Likely pathogenic for Alkaptonuria. Last evaluated: 2022-02-16. Review status: criteria provided, single submitter. Criteria: Myriad Women's Health Autosomal Recessive and X-Linked Classification Criteria (2021). Collection method: clinical testing. Allele origin: unknown.
Comment: NM_000187.3(HGD):c.170delA(K57Rfs*54) is expected to be pathogenic in the context of alkaptonuria. This variant is predicted to lead to an abnormal or absent protein product due to the creation of a premature termination codon in HGD, a gene where loss-of-function variants are known to be pathogenic. Please note: this variant was assessed in the context of healthy population screening.

NM_000187.4(HGD):c.170del (p.Lys57fs)

Gene: HGD (homogentisate 1,2-dioxygenase; minus strand). Cytogenetic location: 3q13.33.
Variant type: Deletion.
Coding change: c.170del on transcript NM_000187.4 (MANE Select); coding-DNA position 170, one base deleted (A; older notation c.170delA).
Protein change: p.Lys57fs; shifts the reading frame from lysine 57.
Molecular consequence: frameshift variant.
Genome position (GRCh38, 1-based): chr3:120,674,907, T deleted on the plus strand (A on the coding strand, the reverse complement: HGD is on the minus strand); the first of 2 consecutive T bases (chr3:120,674,907-120,674,908); deleting either gives the same sequence. VCF-style (leftmost placement, unchanged base first): chr3-120674906-CT-C. GRCh37 (hg19) VCF-style: chr3-120393753-CT-C.
Other names: short protein forms K57fs.
Identifiers: ClinVar variation 1724424 (VCV001724424.2), dbSNP rs2472800726, ClinGen allele CA2580068598.